The following is an entry in ClinVar:

NM_006767.4(LZTR1):c.645G>C (p.Trp215Cys)

Gene: LZTR1 (leucine zipper like post translational regulator 1; plus strand). Cytogenetic location: 22q11.21.
Variant type: single nucleotide variant.
Coding change: c.645G>C on transcript NM_006767.4 (MANE Select); coding-DNA position 645, G replaced by C.
Protein change: p.Trp215Cys; replaces tryptophan 215 with cysteine.
Molecular consequence: missense variant.
Genome position (GRCh38, 1-based): chr22:20,989,676, G>C. VCF-style: chr22-20989676-G-C. GRCh37 (hg19) VCF-style: chr22-21343965-G-C.
Other names: short protein forms W215C.
Identifiers: ClinVar variation 1753648 (VCV001753648.2), dbSNP rs2518614965, ClinGen allele CA410780381.

ClinVar aggregate classification (germline): Uncertain significance (1 of 4 stars; one submission).

Conditions:
Cardiovascular phenotype. Identifiers: MedGen CN230736.
Hereditary cancer-predisposing syndrome. Also called: Neoplastic Syndromes, Hereditary; Tumor predisposition; Hereditary Cancer Syndrome; Hereditary neoplastic syndrome. Identifiers: Orphanet 140162, MedGen C0027672, MeSH D009386, MONDO:0015356.

Submission:

Ambry Genetics
Classification: Uncertain significance for Cardiovascular phenotype; Hereditary cancer-predisposing syndrome. Last evaluated: 2022-03-01. Review status: criteria provided, single submitter. Criteria: Ambry Variant Classification Scheme 2023. Collection method: clinical testing. Allele origin: germline.
Comment: The p.W215C variant (also known as c.645G>C), located in coding exon 7 of the LZTR1 gene, results from a G to C substitution at nucleotide position 645. The tryptophan at codon 215 is replaced by cysteine, an amino acid with highly dissimilar properties. This amino acid position is conserved. In addition, this alteration is predicted to be deleterious by in silico analysis. Since supporting evidence is limited at this time, the clinical significance of this alteration remains unclear.